The following is an entry in ClinVar:

ClinVar aggregate classification (germline): Benign. Review status: criteria provided, multiple submitters, no conflicts (2 of 4 stars). 3 submissions from 3 submitters: Benign (3). Last evaluated 2024-01-24.

Allele frequency attached by ClinVar (database versions not stated): TOPMed 0.56403; gnomAD 0.57522 and 0.57925; gnomAD exomes 0.63358 and 0.64913; ExAC 0.68520; 1000 Genomes Project 30x 0.54685; 1000 Genomes Project 0.55132.
gnomAD v4.1: 587,555 of 922,610 alleles (64%); highest among the groups gnomAD compares: Non-Finnish European, 66%; 189,919 homozygotes.

Submissions (4):

Unidad de Genómica Garrahan, Hospital de Pediatría Garrahan
Classification: Benign. Last evaluated: 2024-01-24. Review status: criteria provided, single submitter. Criteria: ACMG Guidelines, 2015. Collection method: clinical testing. Allele origin: germline. Affected: no. Observed: 41 variant alleles.
Comment: This variant is classified as Benign based on local population frequency. This variant was detected in 43% of patients studied by a panel of primary immunodeficiencies. Number of patients: 41. Only high quality variants are reported.

GeneDx
Classification: Benign. Last evaluated: 2018-08-08. Review status: criteria provided, single submitter. Criteria: GeneDx Variant Classification Process June 2021. Collection method: clinical testing. Allele origin: germline. Affected: yes.

Breakthrough Genomics
Classification: Benign. Review status: criteria provided, single submitter. Criteria: ACMG Guidelines, 2015. Collection method: not provided. Allele origin: germline. Inheritance: Autosomal recessive inheritance. Affected: yes.

Dr. Peter K. Rogan Lab, Western University
No classification provided (evidence only). Condition: Familial cancer of breast. Review status: no classification provided. Collection method: in vitro. Allele origin: not applicable. Functional consequence: retained intron. Not counted in ClinVar's aggregate classification.

NM_000631.5(NCF4):c.529-112C>T

Gene: NCF4 (neutrophil cytosolic factor 4; plus strand). Cytogenetic location: 22q12.3.
Variant type: single nucleotide variant.
Coding change: c.529-112C>T on transcript NM_000631.5 (MANE Select); 112 bases into the intron before coding-DNA position 529, C replaced by T.
Molecular consequence: intron variant.
Genome position (GRCh38, 1-based): chr22:36,872,215, C>T. VCF-style: chr22-36872215-C-T. GRCh37 (hg19) VCF-style: chr22-37268257-C-T.
Other names: NC_000022.10:g.37268257C>T; c.529-112C>T (NM_013416.4).
Identifiers: ClinVar variation 1278896 (VCV001278896.5), dbSNP rs5756374, ClinGen allele CA10213059.